The following is an entry in ClinVar:

ClinVar aggregate classification (germline): Uncertain significance (1 of 4 stars; one submission).

Submission:

GeneDx
Classification: Uncertain significance. Last evaluated: 2026-03-25. Review status: criteria provided, single submitter. Criteria: GeneDx Variant Classification Process June 2021. Collection method: clinical testing. Allele origin: germline.
Comment: Not observed at significant frequency in large population cohorts (gnomAD); Has not been previously published as pathogenic or benign to our knowledge; Frameshift variant predicted to result in protein truncation or nonsense mediated decay in a gene for which loss of function is not an established mechanism of disease

NM_005273.4(GNB2):c.568_569del (p.Leu190fs)

Gene: GNB2 (G protein subunit beta 2; plus strand). Cytogenetic location: 7q22.1.
Variant type: Deletion.
Coding change: c.568_569del on transcript NM_005273.4 (MANE Select); coding-DNA positions 568 to 569, 2 bases deleted (CT; older notation c.568_569delCT).
Protein change: p.Leu190fs; shifts the reading frame from leucine 190.
Molecular consequence: frameshift variant.
Genome position (GRCh38, 1-based): chr7:100,678,168-100,678,169, CT deleted. VCF-style (leftmost placement, unchanged base first): chr7-100678167-CCT-C. GRCh37 (hg19) VCF-style: chr7-100275790-CCT-C.
Other names: short protein forms L190fs.
Identifiers: ClinVar variation 5017125 (VCV005017125.1).
Genomic context (GRCh38, chr7:100,678,167, plus strand): 5'-GGACATTGAGACAGGCCAGCAGACAGTGGGTTTTGCTGGACACAGTGGGGATGTGATGTC[CCT>C]GTCCCTGGCCCCCGATGGCCGCACGTTTGTGTCAGGCGCCTGTGATGCCTCTATCAAGCT-3'